The following is an entry in ClinVar:

NM_020884.7(MYH7B):c.5794C>T (p.Arg1932Trp)

Gene: MYH7B (myosin heavy chain 7B; plus strand). Cytogenetic location: 20q11.22.
Variant type: single nucleotide variant.
Coding change: c.5794C>T on transcript NM_020884.7 (MANE Select); coding-DNA position 5794, C replaced by T.
Protein change: p.Arg1932Trp; replaces arginine 1932 with tryptophan.
Molecular consequence: missense variant.
Genome position (GRCh38, 1-based): chr20:35,002,065, C>T. VCF-style: chr20-35002065-C-T. GRCh37 (hg19) VCF-style: chr20-33589868-C-T.
Other names: c.5920C>T (NM_020884.3); short protein forms R1932W.
Identifiers: ClinVar variation 1369384 (VCV001369384.7), dbSNP rs377232516, ClinGen allele CA9828749.

ClinVar aggregate classification (germline): Uncertain significance. Review status: criteria provided, multiple submitters, no conflicts (2 of 4 stars). 2 submissions from 2 submitters: Uncertain significance (2). Last evaluated 2024-02-27.

Allele frequency attached by ClinVar (database versions not stated): ExAC 0.00011; gnomAD exomes 0.00011 and 0.00022; gnomAD 0.00013 and 0.00014; ESP Exome Variant Server 0.00015; TOPMed 0.00015.
gnomAD v4.1: 327 of 1,613,884 alleles (0.02%); highest among the groups gnomAD compares: Non-Finnish European, 0.026%; no homozygotes.

Submissions (2):

Ambry Genetics
Classification: Uncertain significance. Last evaluated: 2024-02-27. Review status: criteria provided, single submitter. Criteria: Ambry Variant Classification Scheme 2023. Collection method: clinical testing. Allele origin: germline.

Labcorp Genetics (formerly Invitae), Labcorp
Classification: Uncertain significance. Last evaluated: 2022-10-03. Review status: criteria provided, single submitter. Criteria: Invitae Variant Classification Sherloc (09022015). Collection method: clinical testing. Allele origin: germline.
Comment: This sequence change replaces arginine, which is basic and polar, with tryptophan, which is neutral and slightly polar, at codon 1974 of the MYH7B protein (p.Arg1974Trp). This variant is present in population databases (rs377232516, gnomAD 0.02%). This variant has not been reported in the literature in individuals affected with MYH7B-related conditions. ClinVar contains an entry for this variant (Variation ID: 1369384). Advanced modeling of protein sequence and biophysical properties (such as structural, functional, and spatial information, amino acid conservation, physicochemical variation, residue mobility, and thermodynamic stability) performed at Invitae indicates that this missense variant is expected to disrupt MYH7B protein function. In summary, the available evidence is currently insufficient to determine the role of this variant in disease. Therefore, it has been classified as a Variant of Uncertain Significance.